The following is an entry in ClinVar:

NM_015512.5(DNAH1):c.6052T>G (p.Phe2018Val)

Gene: DNAH1 (dynein axonemal heavy chain 1; plus strand). Cytogenetic location: 3p21.1.
Variant type: single nucleotide variant.
Coding change: c.6052T>G on transcript NM_015512.5 (MANE Select); coding-DNA position 6052, T replaced by G.
Protein change: p.Phe2018Val; replaces phenylalanine 2018 with valine.
Molecular consequence: missense variant.
Genome position (GRCh38, 1-based): chr3:52,369,933, T>G. VCF-style: chr3-52369933-T-G. GRCh37 (hg19) VCF-style: chr3-52403949-T-G.
Other names: short protein forms F2018V.
Identifiers: ClinVar variation 1369966 (VCV001369966.8), dbSNP rs377384146, ClinGen allele CA2434404.

ClinVar aggregate classification (germline): Uncertain significance (1 of 4 stars; one submission).

Conditions:
Spermatogenic failure 18. Identifiers: MedGen C4539783, MONDO:0054615, OMIM 617576.
Ciliary dyskinesia, primary, 37 (CILD37). Also called: CILIARY DYSKINESIA, PRIMARY, 37, WITH OR WITHOUT SITUS INVERSUS. Identifiers: MedGen C4539798, MONDO:0033204, OMIM 617577.

Allele frequency attached by ClinVar (database versions not stated): gnomAD exomes 0.00002 and 0.00001; gnomAD 0.00001; ESP Exome Variant Server 0.00008; TOPMed 0.00003; ExAC 0.00001.
gnomAD v4.1: 30 of 1,613,882 alleles (0.0019%); highest among the groups gnomAD compares: Non-Finnish European, 0.0025%; no homozygotes.

Submission:

Labcorp Genetics (formerly Invitae), Labcorp
Classification: Uncertain significance for Ciliary dyskinesia, primary, 37; Spermatogenic failure 18. Last evaluated: 2025-12-17. Review status: criteria provided, single submitter. Criteria: Invitae Variant Classification Sherloc (09022015). Collection method: clinical testing. Allele origin: germline.
Comment: This sequence change replaces phenylalanine, which is neutral and non-polar, with valine, which is neutral and non-polar, at codon 2018 of the DNAH1 protein (p.Phe2018Val). This variant is present in population databases (rs377384146, gnomAD 0.003%). This variant has not been reported in the literature in individuals affected with DNAH1-related conditions. ClinVar contains an entry for this variant (Variation ID: 1369966). Invitae Evidence Modeling of protein sequence and biophysical properties (such as structural, functional, and spatial information, amino acid conservation, physicochemical variation, residue mobility, and thermodynamic stability) indicates that this missense variant is not expected to disrupt DNAH1 protein function with a negative predictive value of 80%. In summary, the available evidence is currently insufficient to determine the role of this variant in disease. Therefore, it has been classified as a Variant of Uncertain Significance.